The following is an entry in ClinVar:

NM_007294.4(BRCA1):c.4467_4470del (p.Lys1489fs)

Gene: BRCA1 (BRCA1 DNA repair associated; minus strand). Cytogenetic location: 17q21.31.
Variant type: Deletion.
Coding change: c.4467_4470del on transcript NM_007294.4 (MANE Select); coding-DNA positions 4467 to 4470, 4 bases deleted (AGAA; older notation c.4467_4470delAGAA).
Protein change: p.Lys1489fs; shifts the reading frame from lysine 1489.
Molecular consequence: frameshift variant. On other transcripts: non-coding transcript variant (1).
Genome position (GRCh38, 1-based): chr17:43,076,502-43,076,505, TTCT deleted on the plus strand (AGAA on the coding strand, the reverse complement: BRCA1 is on the minus strand); deleting any 4 consecutive bases within chr17:43,076,502-43,076,507 gives the same sequence; the c. name uses the placement nearest the transcript's 3' end. VCF-style (leftmost placement, unchanged base first): chr17-43076501-GTTCT-G. GRCh37 (hg19) VCF-style: chr17-41228518-GTTCT-G.
Other names: c.4462_4465delAAAG, p.Lys1488Asnfs (NM_001407623.1, NM_001407624.1, NM_001407625.1 and 17 more transcripts); c.4459_4462delAAAG, p.Lys1487Asnfs (NM_001407627.1, NM_001407628.1, NM_001407629.1 and 14 more transcripts); c.4453_4456delAAAG, p.Lys1485Asnfs (NM_001407646.1); c.4450_4453delAAAG, p.Lys1484Asnfs (NM_001407647.1); c.4408_4411delAAAG, p.Lys1470Asnfs (NM_001407648.1); c.4405_4408delAAAG, p.Lys1469Asnfs (NM_001407649.1); c.4384_4387delAAAG, p.Lys1462Asnfs (NM_001407658.1, NM_001407656.1, NM_001407657.1); c.4381_4384delAAAG, p.Lys1461Asnfs (NM_001407659.1, NM_001407660.1, NM_001407661.1 and 2 more transcripts); and 71 more; short protein forms K1442fs, K1510fs, K385fs, K1489fs.
Identifiers: ClinVar variation 2059457 (VCV002059457.4), dbSNP rs2551628076, ClinGen allele CA2580094430.

ClinVar aggregate classification (germline): Pathogenic (1 of 4 stars; one submission).

Conditions:
Hereditary breast ovarian cancer syndrome. Also called: Breast and ovarian cancer; BRCA1- and BRCA2-Associated Hereditary Breast and Ovarian Cancer; Hereditary breast and ovarian cancer syndrome; Hereditary breast and ovarian cancer; Hereditary breast and ovarian cancer syndrome (HBOC); Hereditary breast and/or ovarian cancer syndrome. Identifiers: Orphanet 145, MedGen C0677776, MeSH D061325, MONDO:0003582. Disease mechanism: loss of function.

Submission:

Labcorp Genetics (formerly Invitae), Labcorp
Classification: Pathogenic for Hereditary breast ovarian cancer syndrome. Last evaluated: 2024-05-06. Review status: criteria provided, single submitter. Criteria: Invitae Variant Classification Sherloc (09022015). Collection method: clinical testing. Allele origin: germline.
Comment: This sequence change creates a premature translational stop signal (p.Lys1489Asnfs*15) in the BRCA1 gene. It is expected to result in an absent or disrupted protein product. Loss-of-function variants in BRCA1 are known to be pathogenic (PMID: 20104584). This variant is not present in population databases (gnomAD no frequency). This variant has not been reported in the literature in individuals affected with BRCA1-related conditions. ClinVar contains an entry for this variant (Variation ID: 2059457). For these reasons, this variant has been classified as Pathogenic.

Literature cited by the submitters: PubMed 20104584.